The following is an entry in ClinVar:

ClinVar aggregate classification (germline): Benign. Review status: criteria provided, single submitter (1 of 4 stars). 3 submissions from 1 submitter: Benign (3). Last evaluated 2018-01-13.

Conditions:
Myhre syndrome (MYHRS). Also called: LARYNGOTRACHEAL STENOSIS, ARTHROPATHY, PROGNATHISM, AND SHORT STATURE; LAPS SYNDROME. Identifiers: Orphanet 2588, MedGen C0796081, MONDO:0007688, OMIM 139210.
Generalized juvenile polyposis/juvenile polyposis coli. Also called: Juvenile polyposis coli. Identifiers: Orphanet 329971, MedGen C1868081, MONDO:0008276.
Juvenile polyposis/hereditary hemorrhagic telangiectasia syndrome (JPHT). Also called: JP/HHT SYNDROME; JUVENILE POLYPOSIS WITH HEREDITARY HEMORRHAGIC TELANGIECTASIA; POLYPOSIS, GENERALIZED JUVENILE, WITH PULMONARY ARTERIOVENOUS MALFORMATION; TELANGIECTASIA, HEREDITARY HEMORRHAGIC, WITH JUVENILE POLYPOSIS COLI; Juvenile Polyposis Syndrome / Hereditary Hemorrhagic Telangiectasia (JPS/HHT). Identifiers: Orphanet 2929, MedGen C1832942, MONDO:0008278, OMIM 175050.

Allele frequency attached by ClinVar (database versions not stated): gnomAD exomes 0.00128; gnomAD 0.00208 and 0.00209; TOPMed 0.00237; 1000 Genomes Project 0.00379; 1000 Genomes Project 30x 0.00422.
gnomAD v4.1: 432 of 231,052 alleles (0.19%); highest among the groups gnomAD compares: African/African-American, 0.46%; 2 homozygotes.

Submissions (3):

Illumina Laboratory Services, Illumina
Classification: Benign for Myhre syndrome. Last evaluated: 2018-01-13. Review status: criteria provided, single submitter. Criteria: ICSL Variant Classification Criteria 13 December 2019. Collection method: clinical testing. Allele origin: germline.
Comment: This variant was observed in the ICSL laboratory as part of a predisposition screen in an ostensibly healthy population. It had not been previously curated by ICSL or reported in the Human Gene Mutation Database (HGMD: prior to June 1st, 2018), and was therefore a candidate for classification through an automated scoring system. Utilizing variant allele frequency, disease prevalence and penetrance estimates, and inheritance mode, an automated score was calculated to assess if this variant is too frequent to cause the disease. Based on the score and internal cut-off values, a variant classified as benign is not then subjected to further curation. The score for this variant resulted in a classification of benign for this disease.

Illumina Laboratory Services, Illumina
Classification: Benign for Juvenile polyposis/hereditary hemorrhagic telangiectasia syndrome. Last evaluated: 2018-01-13. Review status: criteria provided, single submitter. Criteria: ICSL Variant Classification Criteria 13 December 2019. Collection method: clinical testing. Allele origin: germline.
Comment: the same text as in the submission from Illumina Laboratory Services, Illumina above.

Illumina Laboratory Services, Illumina
Classification: Benign for Juvenile polyposis syndrome. Last evaluated: 2018-01-13. Review status: criteria provided, single submitter. Criteria: ICSL Variant Classification Criteria 13 December 2019. Collection method: clinical testing. Allele origin: germline.
Comment: the same text as in the submission from Illumina Laboratory Services, Illumina above.

NM_005359.6(SMAD4):c.*2989A>G

Gene: SMAD4 (SMAD family member 4; plus strand). Cytogenetic location: 18q21.2.
Variant type: single nucleotide variant.
Coding change: c.*2989A>G on transcript NM_005359.6 (MANE Select); 2989 bases downstream of the stop codon, A replaced by G.
Molecular consequence: 3 prime UTR variant.
Genome position (GRCh38, 1-based): chr18:51,081,456, A>G. VCF-style: chr18-51081456-A-G. GRCh37 (hg19) VCF-style: chr18-48607826-A-G.
Identifiers: ClinVar variation 327152 (VCV000327152.5), dbSNP rs139526377, ClinGen allele CA10641670.